The following is an entry in ClinVar:

NM_002473.6(MYH9):c.-19-7C>T

Gene: MYH9 (myosin heavy chain 9; minus strand). Cytogenetic location: 22q12.3.
Variant type: single nucleotide variant.
Coding change: c.-19-7C>T on transcript NM_002473.6 (MANE Select); 7 bases into the intron before 19 bases upstream of the start codon, C replaced by T.
Molecular consequence: intron variant.
Genome position (GRCh38, 1-based): chr22:36,349,262, G>A on the plus strand (C>T on the coding strand, the complement: MYH9 is on the minus strand). VCF-style: chr22-36349262-G-A. GRCh37 (hg19) VCF-style: chr22-36745307-G-A.
Other names: NC_000022.10:g.36745307G>A.
Identifiers: ClinVar variation 341538 (VCV000341538.10), dbSNP rs184332718, ClinGen allele CA10210746.

ClinVar aggregate classification (germline): Benign/Likely benign. Review status: criteria provided, multiple submitters, no conflicts (2 of 4 stars). 5 submissions from 4 submitters: Benign (1); Likely benign (2). 2 of the submissions do not count toward it. Last evaluated 2021-04-09.

Conditions:
MYH9-related disorder. Identifiers: MedGen C1854520.
Autosomal dominant nonsyndromic hearing loss 17. Also called: Autosomal dominant nonsyndromic deafness 17; Deafness, autosomal dominant 17. Identifiers: Orphanet 90635, MedGen C1863659, MONDO:0011350, OMIM 603622.

Allele frequency attached by ClinVar (database versions not stated): 1000 Genomes Project 30x 0.00047; 1000 Genomes Project 0.00060; gnomAD exomes 0.00085; ExAC 0.00091; TOPMed 0.00103; gnomAD 0.00107 and 0.00111; ESP Exome Variant Server 0.00200.

Submissions (6):

GeneDx
Classification: Likely benign. Last evaluated: 2021-04-09. Review status: criteria provided, single submitter. Criteria: GeneDx Variant Classification Process June 2021. Collection method: clinical testing. Allele origin: germline. Affected: yes.

Illumina Laboratory Services, Illumina
Classification: Likely benign for Autosomal dominant nonsyndromic hearing loss 17. Last evaluated: 2018-01-13. Review status: criteria provided, single submitter. Criteria: ICSL Variant Classification Criteria 13 December 2019. Collection method: clinical testing. Allele origin: germline.
Comment: This variant was observed in the ICSL laboratory as part of a predisposition screen in an ostensibly healthy population. It had not been previously curated by ICSL or reported in the Human Gene Mutation Database (HGMD: prior to June 1st, 2018), and was therefore a candidate for classification through an automated scoring system. Utilizing variant allele frequency, disease prevalence and penetrance estimates, and inheritance mode, an automated score was calculated to assess if this variant is too frequent to cause the disease. Based on the score and internal cut-off values, a variant classified as likely benign is not then subjected to further curation. The score for this variant resulted in a classification of likely benign for this disease.

Illumina Laboratory Services, Illumina
Classification: Benign for MYH9-related disorder. Last evaluated: 2018-01-13. Review status: criteria provided, single submitter. Criteria: ICSL Variant Classification Criteria 13 December 2019. Collection method: clinical testing. Allele origin: germline.
Comment: This variant was observed in the ICSL laboratory as part of a predisposition screen in an ostensibly healthy population. It had not been previously curated by ICSL or reported in the Human Gene Mutation Database (HGMD: prior to June 1st, 2018), and was therefore a candidate for classification through an automated scoring system. Utilizing variant allele frequency, disease prevalence and penetrance estimates, and inheritance mode, an automated score was calculated to assess if this variant is too frequent to cause the disease. Based on the score and internal cut-off values, a variant classified as benign is not then subjected to further curation. The score for this variant resulted in a classification of benign for this disease.

Clinical Genetics DNA and cytogenetics Diagnostics Lab, Erasmus MC, Erasmus Medical Center
Classification: Likely benign. Review status: no assertion criteria provided. Collection method: clinical testing. Allele origin: germline. Affected: yes. Study: VKGL Data-share Consensus. Not counted in ClinVar's aggregate classification.

Dr. Peter K. Rogan Lab, Western University
No classification provided (evidence only). Condition: Ovarian serous cystadenocarcinoma. Review status: no classification provided. Collection method: in vitro. Allele origin: not applicable. Functional consequence: retained intron. Not counted in ClinVar's aggregate classification.

Laboratory of Diagnostic Genome Analysis, Leiden University Medical Center (LUMC)
Classification: Likely benign. Review status: no assertion criteria provided. Collection method: clinical testing. Allele origin: germline. Affected: yes. Study: VKGL Data-share Consensus. Not counted in ClinVar's aggregate classification.